The following is an entry in ClinVar:

NM_021252.5(RAB18):c.*1412C>T

Gene: RAB18 (RAB18, member RAS oncogene family; plus strand). Cytogenetic location: 10p12.1.
Variant type: single nucleotide variant.
Coding change: c.*1412C>T on transcript NM_021252.5 (MANE Select); 1412 bases downstream of the stop codon, C replaced by T.
Molecular consequence: 3 prime UTR variant. On other transcripts: non-coding transcript variant (1).
Genome position (GRCh38, 1-based): chr10:27,539,463, C>T. VCF-style: chr10-27539463-C-T. GRCh37 (hg19) VCF-style: chr10-27828392-C-T.
Other names: c.*1412C>T (NM_001256410.2, NM_001256412.2); c.*1372C>T (NM_001256411.2).
Identifiers: ClinVar variation 299843 (VCV000299843.5), dbSNP rs10508723, ClinGen allele CA5452511.

ClinVar aggregate classification (germline): Benign (1 of 4 stars; one submission).

Conditions:
Warburg micro syndrome 3 (WARBM3). Also called: MICRO SYNDROME 3. Identifiers: Orphanet 2510, MedGen C3280203, MONDO:0013638, OMIM 614222.

Allele frequency attached by ClinVar (database versions not stated): gnomAD exomes 0.00354 and 0.01212; ExAC 0.02914; gnomAD 0.03691 and 0.03943; TOPMed 0.04144; 1000 Genomes Project 0.04373; 1000 Genomes Project 30x 0.04919.
gnomAD v4.1: 6,127 of 304,670 alleles (2%); highest among the groups gnomAD compares: African/African-American, 12%; 343 homozygotes.

Submission:

Illumina Laboratory Services, Illumina
Classification: Benign for Warburg micro syndrome 3. Last evaluated: 2018-01-12. Review status: criteria provided, single submitter. Criteria: ICSL Variant Classification Criteria 13 December 2019. Collection method: clinical testing. Allele origin: germline.
Comment: This variant was observed in the ICSL laboratory as part of a predisposition screen in an ostensibly healthy population. It had not been previously curated by ICSL or reported in the Human Gene Mutation Database (HGMD: prior to June 1st, 2018), and was therefore a candidate for classification through an automated scoring system. Utilizing variant allele frequency, disease prevalence and penetrance estimates, and inheritance mode, an automated score was calculated to assess if this variant is too frequent to cause the disease. Based on the score and internal cut-off values, a variant classified as benign is not then subjected to further curation. The score for this variant resulted in a classification of benign for this disease.